The following is an entry in ClinVar:

NM_001457.4(FLNB):c.785G>A (p.Arg262Lys)

Gene: FLNB (filamin B; plus strand). Cytogenetic location: 3p14.3.
Variant type: single nucleotide variant.
Coding change: c.785G>A on transcript NM_001457.4 (MANE Select); coding-DNA position 785, G replaced by A.
Protein change: p.Arg262Lys; replaces arginine 262 with lysine.
Molecular consequence: missense variant.
Genome position (GRCh38, 1-based): chr3:58,081,774, G>A. VCF-style: chr3-58081774-G-A. GRCh37 (hg19) VCF-style: chr3-58067501-G-A.
Other names: c.785G>A, p.Arg262Lys (NM_001164317.2, NM_001164318.2, NM_001164319.2); short protein forms R262K.
Identifiers: ClinVar variation 1716344 (VCV001716344.8), dbSNP rs2471006812, ClinGen allele CA353334299.

ClinVar aggregate classification (germline): Uncertain significance. Review status: criteria provided, multiple submitters, no conflicts (2 of 4 stars). 2 submissions from 2 submitters: Uncertain significance (2). Last evaluated 2022-08-13.

Submissions (2):

Labcorp Genetics (formerly Invitae), Labcorp
Classification: Uncertain significance. Last evaluated: 2022-08-13. Review status: criteria provided, single submitter. Criteria: Invitae Variant Classification Sherloc (09022015). Collection method: clinical testing. Allele origin: germline.
Comment: Algorithms developed to predict the effect of missense changes on protein structure and function (SIFT, PolyPhen-2, Align-GVGD) all suggest that this variant is likely to be tolerated. In summary, the available evidence is currently insufficient to determine the role of this variant in disease. Therefore, it has been classified as a Variant of Uncertain Significance. This variant has not been reported in the literature in individuals affected with FLNB-related conditions. This variant is not present in population databases (gnomAD no frequency). This sequence change replaces arginine, which is basic and polar, with lysine, which is basic and polar, at codon 262 of the FLNB protein (p.Arg262Lys).

Revvity Omics, Revvity
Classification: Uncertain significance. Last evaluated: 2021-03-18. Review status: criteria provided, single submitter. Criteria: ACMG Guidelines, 2015. Collection method: clinical testing. Allele origin: germline.